The following is an entry in ClinVar:

ClinVar aggregate classification (germline): Uncertain significance (1 of 4 stars; one submission).

gnomAD v4.1: 1 of 1,595,316 alleles (0.000063%); no homozygotes.

Submission:

Labcorp Genetics (formerly Invitae), Labcorp
Classification: Uncertain significance. Last evaluated: 2024-03-14. Review status: criteria provided, single submitter. Criteria: Invitae Variant Classification Sherloc (09022015). Collection method: clinical testing. Allele origin: germline.
Comment: This sequence change replaces arginine, which is basic and polar, with proline, which is neutral and non-polar, at codon 170 of the LZTR1 protein (p.Arg170Pro). This variant also falls at the last nucleotide of exon 5, which is part of the consensus splice site for this exon. This variant is not present in population databases (gnomAD no frequency). This missense change has been observed in individual(s) with autosomal recessive Noonan syndrome (PMID: 30732632). ClinVar contains an entry for this variant (Variation ID: 2169628). An algorithm developed to predict the effect of missense changes on protein structure and function (PolyPhen-2) suggests that this variant is likely to be tolerated. Variants that disrupt the consensus splice site are a relatively common cause of aberrant splicing (PMID: 17576681, 9536098). Algorithms developed to predict the effect of sequence changes on RNA splicing suggest that this variant may disrupt the consensus splice site. This variant disrupts the c.509G nucleotide in the LZTR1 gene. Other variant(s) that disrupt this nucleotide have been determined to be pathogenic (PMID: 25480913). This suggests that this nucleotide is clinically significant, and that variants that disrupt this position are likely to be disease-causing. In summary, the available evidence is currently insufficient to determine the role of this variant in disease. Therefore, it has been classified as a Variant of Uncertain Significance.

Literature cited by the submitters: PubMed 30732632; PubMed 17576681; PubMed 9536098; PubMed 25480913.

NM_006767.4(LZTR1):c.509G>C (p.Arg170Pro)

Gene: LZTR1 (leucine zipper like post translational regulator 1; plus strand). Cytogenetic location: 22q11.21.
Variant type: single nucleotide variant.
Coding change: c.509G>C on transcript NM_006767.4 (MANE Select); coding-DNA position 509, G replaced by C.
Protein change: p.Arg170Pro; replaces arginine 170 with proline.
Molecular consequence: missense variant.
Genome position (GRCh38, 1-based): chr22:20,988,118, G>C. VCF-style: chr22-20988118-G-C. GRCh37 (hg19) VCF-style: chr22-21342407-G-C.
Other names: short protein forms R170P.
Identifiers: ClinVar variation 2169628 (VCV002169628.4), dbSNP rs781431741, ClinGen allele CA410779963.